The following is an entry in ClinVar:

ClinVar aggregate classification (germline): Conflicting classifications of pathogenicity. Review status: criteria provided, conflicting classifications (1 of 4 stars). 5 submissions from 5 submitters: Uncertain significance (2); Likely benign (3). Last evaluated 2026-06-11.

Conditions:
KRIT1-related disorder. Also called: KRIT1-related disorders; KRIT1-related condition.
Cerebral cavernous malformation (CCM). Also called: Cerebral cavernous hemangioma (type); CAVERNOUS ANGIOMA, FAMILIAL; CAVERNOUS ANGIOMATOUS MALFORMATIONS; CEREBRAL CAPILLARY MALFORMATIONS; Cerebral cavernous malformations; Cavernous Hemangioma of Brain. Identifiers: Orphanet 221061, MedGen C2919945, MONDO:0000820, OMIM 116860, HP:0033522.
Inborn genetic diseases. Identifiers: MedGen C0950123, MeSH D030342.

Allele frequency attached by ClinVar (database versions not stated): gnomAD exomes 0.00002; ExAC 0.00004; gnomAD 0.00011; TOPMed 0.00012; 1000 Genomes Project 30x 0.00016; 1000 Genomes Project 0.00020; ESP Exome Variant Server 0.00023.
gnomAD v4.1: 41 of 1,610,870 alleles (0.0025%); highest among the groups gnomAD compares: African/African-American, 0.036%; no homozygotes.

Submissions (5):

Women's Health and Genetics/Laboratory Corporation of America, LabCorp
Classification: Uncertain significance. Last evaluated: 2026-06-11. Review status: criteria provided, single submitter. Criteria: LabCorp Variant Classification Summary - May 2015. Collection method: clinical testing. Allele origin: germline.
Comment: Variant summary: KRIT1 c.916C>T (p.Arg306Cys) results in a non-conservative amino acid change in the encoded protein sequence. Algorithms developed to predict the effect of missense changes on protein structure and function are either unavailable or do not agree on the potential impact of this missense change. The variant allele was found at a frequency of 3.2e-05 in 251404 control chromosomes. The available data on variant occurrences in the general population are insufficient to allow any conclusion about variant significance. To our knowledge, no occurrence of c.916C>T in individuals affected with KRIT1-related conditions and no experimental evidence demonstrating its impact on protein function have been reported. ClinVar contains an entry for this variant (Variation ID: 3116290). Based on the evidence outlined above, the variant was classified as uncertain significance.

PreventionGenetics, part of Exact Sciences
Classification: Likely benign for KRIT1-related condition. Last evaluated: 2025-01-15. Review status: criteria provided, single submitter. Criteria: ACMG Guidelines, 2015. Collection method: clinical testing. Allele origin: germline.
Comment: This variant is classified as likely benign based on ACMG/AMP sequence variant interpretation guidelines (Richards et al. 2015 PMID: 25741868, with internal and published modifications).

Labcorp Genetics (formerly Invitae), Labcorp
Classification: Uncertain significance for Cerebral cavernous malformation. Last evaluated: 2024-09-18. Review status: criteria provided, single submitter. Criteria: Invitae Variant Classification Sherloc (09022015). Collection method: clinical testing. Allele origin: germline.
Comment: This sequence change replaces arginine, which is basic and polar, with cysteine, which is neutral and slightly polar, at codon 306 of the KRIT1 protein (p.Arg306Cys). This variant is present in population databases (rs146328341, gnomAD 0.05%), and has an allele count higher than expected for a pathogenic variant. This variant has not been reported in the literature in individuals affected with KRIT1-related conditions. Invitae Evidence Modeling of protein sequence and biophysical properties (such as structural, functional, and spatial information, amino acid conservation, physicochemical variation, residue mobility, and thermodynamic stability) indicates that this missense variant is not expected to disrupt KRIT1 protein function with a negative predictive value of 80%. In summary, the available evidence is currently insufficient to determine the role of this variant in disease. Therefore, it has been classified as a Variant of Uncertain Significance.

Blueprint Genetics
Classification: Likely benign. Last evaluated: 2023-12-15. Review status: criteria provided, single submitter. Criteria: ACMG Guidelines, 2015. Collection method: clinical testing. Allele origin: germline.

Ambry Genetics
Classification: Likely benign for Inborn genetic diseases. Last evaluated: 2023-12-09. Review status: criteria provided, single submitter. Criteria: Ambry Variant Classification Scheme 2023. Collection method: clinical testing. Allele origin: germline.

NM_194454.3(KRIT1):c.916C>T (p.Arg306Cys)

Gene: KRIT1 (KRIT1 ankyrin repeat containing; minus strand). Cytogenetic location: 7q21.2.
Variant type: single nucleotide variant.
Coding change: c.916C>T on transcript NM_194454.3 (MANE Select); coding-DNA position 916, C replaced by T.
Protein change: p.Arg306Cys; replaces arginine 306 with cysteine.
Molecular consequence: missense variant. On other transcripts: intron variant (3).
Genome position (GRCh38, 1-based): chr7:92,234,522, G>A on the plus strand (C>T on the coding strand, the complement: KRIT1 is on the minus strand). VCF-style: chr7-92234522-G-A. GRCh37 (hg19) VCF-style: chr7-91863836-G-A.
Other names: c.916C>T, p.Arg306Cys (NM_001350677.1, NM_001350678.1, NM_001350679.1 and 26 more transcripts); c.845+286C>T (NM_001350669.1, NM_001013406.2, NM_001350670.1); c.202C>T, p.Arg68Cys (NM_001350671.1); short protein forms R68C, R306C.
Identifiers: ClinVar variation 3116290 (VCV003116290.6), dbSNP rs146328341, ClinGen allele CA4339267.